The following is an entry in ClinVar:

ClinVar aggregate classification (germline): Uncertain significance. Review status: criteria provided, multiple submitters, no conflicts (2 of 4 stars). 4 submissions from 4 submitters: Uncertain significance (4). Last evaluated 2025-07-30.

Conditions:
Obesity, hyperphagia, and developmental delay (OBHD). Identifiers: Orphanet 99704, MedGen C3151303, MONDO:0013483, OMIM 613886.
Developmental and epileptic encephalopathy, 58. Also called: EPILEPTIC ENCEPHALOPATHY, EARLY INFANTILE, 58. Identifiers: MedGen C4693367, MONDO:0033367, OMIM 617830.
NTRK2-related disorder. Also called: NTRK2-related condition.
Inborn genetic diseases. Identifiers: MedGen C0950123, MeSH D030342.

Allele frequency attached by ClinVar (database versions not stated): gnomAD exomes below 0.00001 and 0.00002; gnomAD 0.00001; TOPMed 0.00002.
gnomAD v4.1: 8 of 1,613,934 alleles (0.0005%); highest among the groups gnomAD compares: Admixed American, 0.0083%; no homozygotes.

Submissions (4):

Labcorp Genetics (formerly Invitae), Labcorp
Classification: Uncertain significance. Last evaluated: 2025-07-30. Review status: criteria provided, single submitter. Criteria: Invitae Variant Classification Sherloc (09022015). Collection method: clinical testing. Allele origin: germline.
Comment: This sequence change replaces valine, which is neutral and non-polar, with isoleucine, which is neutral and non-polar, at codon 517 of the NTRK2 protein (p.Val517Ile). This variant is present in population databases (no rsID available, gnomAD 0.009%). This variant has not been reported in the literature in individuals affected with NTRK2-related conditions. ClinVar contains an entry for this variant (Variation ID: 1515143). Invitae Evidence Modeling of protein sequence and biophysical properties (such as structural, functional, and spatial information, amino acid conservation, physicochemical variation, residue mobility, and thermodynamic stability) indicates that this missense variant is not expected to disrupt NTRK2 protein function with a negative predictive value of 80%. In summary, the available evidence is currently insufficient to determine the role of this variant in disease. Therefore, it has been classified as a Variant of Uncertain Significance.

PreventionGenetics, part of Exact Sciences
Classification: Uncertain significance for NTRK2-related condition. Last evaluated: 2025-04-10. Review status: criteria provided, single submitter. Criteria: ACMG Guidelines, 2015. Collection method: clinical testing. Allele origin: germline.
Comment: The NTRK2 c.1549G>A variant is predicted to result in the amino acid substitution p.Val517Ile. To our knowledge, this variant has not been reported in the literature. This variant is reported in 0.0087% of alleles in individuals of Latino descent in gnomAD. At this time, the clinical significance of this variant is uncertain due to the absence of conclusive functional and genetic evidence.

Ambry Genetics
Classification: Uncertain significance for Inborn genetic diseases. Last evaluated: 2022-08-30. Review status: criteria provided, single submitter. Criteria: Ambry Variant Classification Scheme 2023. Collection method: clinical testing. Allele origin: germline.

Fulgent Genetics
Classification: Uncertain significance for Obesity, hyperphagia, and developmental delay; Developmental and epileptic encephalopathy, 58. Last evaluated: 2022-03-30. Review status: criteria provided, single submitter. Criteria: ACMG Guidelines, 2015. Collection method: clinical testing. Allele origin: unknown.

NM_006180.6(NTRK2):c.1549G>A (p.Val517Ile)

Gene: NTRK2 (neurotrophic receptor tyrosine kinase 2; plus strand). Cytogenetic location: 9q21.33.
Variant type: single nucleotide variant.
Coding change: c.1549G>A on transcript NM_006180.6 (MANE Select); coding-DNA position 1549, G replaced by A.
Protein change: p.Val517Ile; replaces valine 517 with isoleucine.
Molecular consequence: missense variant.
Genome position (GRCh38, 1-based): chr9:84,867,347, G>A. VCF-style: chr9-84867347-G-A. GRCh37 (hg19) VCF-style: chr9-87482262-G-A.
Other names: c.1549G>A (NM_006180.4, NM_006180.3); c.1501G>A, p.Val501Ile (NM_001018064.3, NM_001018066.3, NM_001369532.1 and 2 more transcripts); c.1549G>A, p.Val517Ile (NM_001018065.2, NM_001369537.1); c.1465G>A, p.Val489Ile (NM_001369534.1); c.1033G>A, p.Val345Ile (NM_001369535.1); c.1081G>A, p.Val361Ile (NM_001369536.1); short protein forms V361I, V501I, V517I, V345I, V489I.
Identifiers: ClinVar variation 1515143 (VCV001515143.9), dbSNP rs1285574585, ClinGen allele CA374005994.
Genomic context (GRCh38, chr9:84,867,347, plus strand): 5'-CTCCATCACATCTCCAATGGGAGTAACACTCCATCTTCTTCGGAAGGTGGCCCAGATGCT[G>A]TCATTATTGGAATGACCAAGATCCCTGTCATTGAAAATCCCCAGTACTTTGGCATCACCA-3'
Protein context (NP_006171.2, residues 507-527): PSSSEGGPDA[Val517Ile]IIGMTKIPVI